The following is an entry in ClinVar:

ClinVar aggregate classification (germline): Uncertain significance. Review status: criteria provided, multiple submitters, no conflicts (2 of 4 stars). 4 submissions from 4 submitters: Uncertain significance (4). Last evaluated 2025-08-06.

Conditions:
Familial colorectal cancer type X. Identifiers: Orphanet 440437, MedGen C3896578, MONDO:0018604.
Hereditary cancer-predisposing syndrome. Also called: Neoplastic Syndromes, Hereditary; Hereditary Cancer Syndrome; Hereditary neoplastic syndrome; Tumor predisposition. Identifiers: Orphanet 140162, MedGen C0027672, MeSH D009386, MONDO:0015356.

gnomAD v4.1: 4 of 1,609,138 alleles (0.00025%); highest among the groups gnomAD compares: Non-Finnish European, 0.00025%; no homozygotes.

Submissions (4):

Ambry Genetics
Classification: Uncertain significance for Hereditary cancer-predisposing syndrome. Last evaluated: 2025-08-06. Review status: criteria provided, single submitter. Criteria: Ambry Variant Classification Scheme 2023. Collection method: clinical testing. Allele origin: germline.

GeneDx
Classification: Uncertain significance. Last evaluated: 2025-06-24. Review status: criteria provided, single submitter. Criteria: GeneDx Variant Classification Process June 2021. Collection method: clinical testing. Allele origin: germline. Affected: yes.
Comment: Not observed at significant frequency in large population cohorts (gnomAD); In silico analysis suggests that this missense variant does not alter protein structure/function; Has not been previously published as pathogenic or benign to our knowledge

Labcorp Genetics (formerly Invitae), Labcorp
Classification: Uncertain significance. Last evaluated: 2025-06-24. Review status: criteria provided, single submitter. Criteria: Invitae Variant Classification Sherloc (09022015). Collection method: clinical testing. Allele origin: germline.
Comment: This sequence change replaces serine, which is neutral and polar, with leucine, which is neutral and non-polar, at codon 1531 of the POLE protein (p.Ser1531Leu). This variant is not present in population databases (gnomAD no frequency). This variant has not been reported in the literature in individuals affected with POLE-related conditions. ClinVar contains an entry for this variant (Variation ID: 540716). Invitae Evidence Modeling of protein sequence and biophysical properties (such as structural, functional, and spatial information, amino acid conservation, physicochemical variation, residue mobility, and thermodynamic stability) indicates that this missense variant is not expected to disrupt POLE protein function with a negative predictive value of 80%. In summary, the available evidence is currently insufficient to determine the role of this variant in disease. Therefore, it has been classified as a Variant of Uncertain Significance.

Department of Pathology and Laboratory Medicine, Sinai Health System
Classification: Uncertain significance for Familial colorectal cancer type X. Last evaluated: 2024-12-30. Review status: criteria provided, single submitter. Criteria: ACMG Guidelines, 2015. Collection method: clinical testing. Allele origin: germline. Affected: yes.

NM_006231.4(POLE):c.4592C>T (p.Ser1531Leu)

Gene: POLE (DNA polymerase epsilon, catalytic subunit; minus strand). Cytogenetic location: 12q24.33.
Variant type: single nucleotide variant.
Coding change: c.4592C>T on transcript NM_006231.4 (MANE Select); coding-DNA position 4592, C replaced by T.
Protein change: p.Ser1531Leu; replaces serine 1531 with leucine.
Molecular consequence: missense variant.
Genome position (GRCh38, 1-based): chr12:132,642,956, G>A on the plus strand (C>T on the coding strand, the complement: POLE is on the minus strand). VCF-style: chr12-132642956-G-A. GRCh37 (hg19) VCF-style: chr12-133219542-G-A.
Other names: short protein forms S1531L.
Identifiers: ClinVar variation 540716 (VCV000540716.14), dbSNP rs1555222764, ClinGen allele CA387379238.